The following is an entry in ClinVar:

ClinVar aggregate classification (germline): Likely benign (1 of 4 stars; one submission).

Conditions:
BLTP1-related disorder. Also called: BLTP1-related condition.

gnomAD v4.1: 15 of 1,613,684 alleles (0.00093%); highest among the groups gnomAD compares: African/African-American, 0.02%; no homozygotes.

Submission:

PreventionGenetics, part of Exact Sciences
Classification: Likely benign for BLTP1-related condition. Last evaluated: 2026-06-19. Review status: criteria provided, single submitter. Criteria: ACMG Guidelines, 2015. Collection method: clinical testing. Allele origin: germline.
Comment: This variant is classified as likely benign based on ACMG/AMP sequence variant interpretation guidelines (Richards et al. 2015 PMID: 25741868, with internal and published modifications).

NM_001384125.1(BLTP1):c.13221C>A (p.Thr4407=)

Gene: BLTP1 (bridge-like lipid transfer protein family member 1; plus strand). Cytogenetic location: 4q27.
Variant type: single nucleotide variant.
Coding change: c.13221C>A on transcript NM_001384125.1 (MANE Select); coding-DNA position 13221, C replaced by A.
Protein change: p.Thr4407=; no amino-acid change (threonine 4407 retained).
Molecular consequence: synonymous variant.
Genome position (GRCh38, 1-based): chr4:122,347,607, C>A. VCF-style: chr4-122347607-C-A. GRCh37 (hg19) VCF-style: chr4-123268762-C-A.
Other names: c.12957C>A, p.Thr4319= (NM_015312.4).
Identifiers: ClinVar variation 4982353 (VCV004982353.1).
Genomic context (GRCh38, chr4:122,347,607, plus strand): 5'-CATTGAAGGGGTAAGCCAACACCTTTCCCCTGAATCATCAAGAAAAGCTTACTGCAAGAC[C>A]TGGGAGCAGCCAAGTCAGTCAGCCTCCTTCACCCACATGCCTCAGTCACCTAATGTGTTC-3'
Protein context (NP_001371054.1, residues 4397-4417): PESSRKAYCK[Thr4407=]WEQPSQSASF